The following is an entry in ClinVar:

ClinVar aggregate classification (germline): Uncertain significance (0 of 4 stars; one submission).

Conditions:
PCNT-related disorder. Also called: PCNT-related condition.

Allele frequency attached by ClinVar (database versions not stated): TOPMed below 0.00001; gnomAD 0.00001.
gnomAD v4.1: 11 of 1,555,224 alleles (0.00071%); highest among the groups gnomAD compares: Admixed American, 0.0019%; no homozygotes.

Submission:

PreventionGenetics, part of Exact Sciences
Classification: Uncertain significance for PCNT-related condition. Last evaluated: 2024-01-30. Review status: no assertion criteria provided. Collection method: clinical testing. Allele origin: germline.
Comment: The PCNT c.7952C>T variant is predicted to result in the amino acid substitution p.Ala2651Val. To our knowledge, this variant has not been reported in the literature. This variant is reported in 0.011% of alleles in individuals of African descent in gnomAD. At this time, the clinical significance of this variant is uncertain due to the absence of conclusive functional and genetic evidence.

NM_006031.6(PCNT):c.7952C>T (p.Ala2651Val)

Gene: PCNT (pericentrin; plus strand). Cytogenetic location: 21q22.3.
Variant type: single nucleotide variant.
Coding change: c.7952C>T on transcript NM_006031.6 (MANE Select); coding-DNA position 7952, C replaced by T.
Protein change: p.Ala2651Val; replaces alanine 2651 with valine.
Molecular consequence: missense variant.
Genome position (GRCh38, 1-based): chr21:46,430,545, C>T. VCF-style: chr21-46430545-C-T. GRCh37 (hg19) VCF-style: chr21-47850459-C-T.
Other names: c.7598C>T, p.Ala2533Val (NM_001315529.2); short protein forms A2533V, A2651V.
Identifiers: ClinVar variation 3032417 (VCV003032417.2), dbSNP rs774021501, ClinGen allele CA410572147.